The following is an entry in ClinVar:

ClinVar aggregate classification (germline): Benign/Likely benign. Review status: criteria provided, multiple submitters, no conflicts (2 of 4 stars). 3 submissions from 3 submitters: Benign (1); Likely benign (2). Last evaluated 2026-03-01.

Allele frequency attached by ClinVar (database versions not stated): gnomAD exomes 0.00031 and 0.00084; ExAC 0.00094; ESP Exome Variant Server 0.00292; gnomAD 0.00301 and 0.00320; TOPMed 0.00368; 1000 Genomes Project 30x 0.00390; 1000 Genomes Project 0.00399.
gnomAD v4.1: 937 of 1,614,082 alleles (0.058%); highest among the groups gnomAD compares: African/African-American, 1.1%; 12 homozygotes.

Submissions (3):

CeGaT Center for Human Genetics Tuebingen
Classification: Likely benign. Last evaluated: 2026-03-01. Review status: criteria provided, single submitter. Criteria: CeGaT Center For Human Genetics Tuebingen Variant Classification Criteria Version 2. Collection method: clinical testing. Allele origin: germline. Affected: yes. Observed: 2 variant alleles.
Comment: GRIA1: BP4, BP7, BS1

Blueprint Genetics
Classification: Likely benign. Last evaluated: 2024-09-20. Review status: criteria provided, single submitter. Criteria: ACMG Guidelines, 2015. Collection method: clinical testing. Allele origin: germline.

Labcorp Genetics (formerly Invitae), Labcorp
Classification: Benign. Last evaluated: 2018-06-19. Review status: criteria provided, single submitter. Criteria: Invitae Variant Classification Sherloc (09022015). Collection method: clinical testing. Allele origin: germline.

NM_000827.4(GRIA1):c.714T>C (p.Ile238=)

Gene: GRIA1 (glutamate ionotropic receptor AMPA type subunit 1; plus strand). Cytogenetic location: 5q33.2.
Variant type: single nucleotide variant.
Coding change: c.714T>C on transcript NM_000827.4 (MANE Select); coding-DNA position 714, T replaced by C.
Protein change: p.Ile238=; no amino-acid change (isoleucine 238 retained).
Molecular consequence: synonymous variant. On other transcripts: non-coding transcript variant (2).
Genome position (GRCh38, 1-based): chr5:153,674,514, T>C. VCF-style: chr5-153674514-T-C. GRCh37 (hg19) VCF-style: chr5-153054074-T-C.
Other names: c.714T>C, p.Ile238= (NM_001114183.2, NM_001364165.2); c.474T>C, p.Ile158= (NM_001258019.2); c.429T>C, p.Ile143= (NM_001258020.2); c.744T>C, p.Ile248= (NM_001258021.2, NM_001258022.2); c.507T>C, p.Ile169= (NM_001258023.1, NM_001364167.2); c.741T>C, p.Ile247= (NM_001364166.2).
Identifiers: ClinVar variation 720942 (VCV000720942.8), dbSNP rs142807233, ClinGen allele CA3524399.